The following is an entry in ClinVar:

NM_000548.5(TSC2):c.4141C>T (p.Pro1381Ser)

Gene: TSC2 (TSC complex subunit 2; plus strand). Cytogenetic location: 16p13.3.
Variant type: single nucleotide variant.
Coding change: c.4141C>T on transcript NM_000548.5 (MANE Select); coding-DNA position 4141, C replaced by T.
Protein change: p.Pro1381Ser; replaces proline 1381 with serine.
Molecular consequence: missense variant.
Genome position (GRCh38, 1-based): chr16:2,084,363, C>T. VCF-style: chr16-2084363-C-T. GRCh37 (hg19) VCF-style: chr16-2134364-C-T.
Other names: c.3940C>T, p.Pro1314Ser (NM_001077183.3); c.4072C>T, p.Pro1358Ser (NM_001114382.3); c.3832C>T, p.Pro1278Ser (NM_001318827.2); c.3796C>T, p.Pro1266Ser (NM_001318829.2); c.3409C>T, p.Pro1137Ser (NM_001318831.2); c.3973C>T, p.Pro1325Ser (NM_001318832.2); c.3943C>T, p.Pro1315Ser (NM_001363528.2); c.4009C>T, p.Pro1337Ser (NM_001370404.1); and 1 more; short protein forms P1137S, P1278S, P1338S, P1314S, P1315S, P1325S, P1337S, P1358S.
Identifiers: ClinVar variation 841409 (VCV000841409.13), dbSNP rs2090497403, ClinGen allele CA394299639.
Genomic context (GRCh38, chr16:2,084,363, plus strand): 5'-CGAGTCGTCTCCTCGGAGGGTGGCCGGCCCTCTGTGGACCTCTCCTTCCAGCCCTCGCAG[C>T]CCCTGAGCAAGTCCAGCTCCTCTCCCGAGCTGCAGACTCTGCAGGACATCCTCGGGGACC-3'
Protein context (NP_000539.2, residues 1371-1391): SVDLSFQPSQ[Pro1381Ser]LSKSSSSPEL

ClinVar aggregate classification (germline): Uncertain significance. Review status: criteria provided, multiple submitters, no conflicts (2 of 4 stars). 3 submissions from 3 submitters: Uncertain significance (3). Last evaluated 2026-02-02.

Conditions:
Hereditary cancer-predisposing syndrome. Also called: Neoplastic Syndromes, Hereditary; Hereditary neoplastic syndrome; Tumor predisposition; Hereditary Cancer Syndrome. Identifiers: Orphanet 140162, MedGen C0027672, MeSH D009386, MONDO:0015356.
Tuberous sclerosis 2 (TSC2). Identifiers: Orphanet 805, MedGen C1860707, MONDO:0013199, OMIM 613254.

Submissions (3):

Labcorp Genetics (formerly Invitae), Labcorp
Classification: Uncertain significance for Tuberous sclerosis 2. Last evaluated: 2026-02-02. Review status: criteria provided, single submitter. Criteria: Invitae Variant Classification Sherloc (09022015). Collection method: clinical testing. Allele origin: germline.
Comment: This sequence change replaces proline, which is neutral and non-polar, with serine, which is neutral and polar, at codon 1381 of the TSC2 protein (p.Pro1381Ser). This variant is not present in population databases (gnomAD no frequency). This variant has not been reported in the literature in individuals affected with TSC2-related conditions. ClinVar contains an entry for this variant (Variation ID: 841409). Invitae Evidence Modeling of protein sequence and biophysical properties (such as structural, functional, and spatial information, amino acid conservation, physicochemical variation, residue mobility, and thermodynamic stability) indicates that this missense variant is not expected to disrupt TSC2 protein function with a negative predictive value of 95%. In summary, the available evidence is currently insufficient to determine the role of this variant in disease. Therefore, it has been classified as a Variant of Uncertain Significance.

Ambry Genetics
Classification: Uncertain significance for Hereditary cancer-predisposing syndrome. Last evaluated: 2024-10-24. Review status: criteria provided, single submitter. Criteria: Ambry Variant Classification Scheme 2023. Collection method: clinical testing. Allele origin: germline.
Comment: The p.P1381S variant (also known as c.4141C>T), located in coding exon 33 of the TSC2 gene, results from a C to T substitution at nucleotide position 4141. The proline at codon 1381 is replaced by serine, an amino acid with similar properties. This amino acid position is conserved. In addition, the in silico prediction for this alteration is inconclusive. Based on the available evidence, the clinical significance of this variant remains unclear.

Revvity Omics, Revvity
Classification: Uncertain significance for Tuberous sclerosis 2. Last evaluated: 2022-04-07. Review status: criteria provided, single submitter. Criteria: ACMG Guidelines, 2015. Collection method: clinical testing. Allele origin: germline.